The following is an entry in ClinVar:

ClinVar aggregate classification (germline): Conflicting classifications of pathogenicity. Review status: criteria provided, conflicting classifications (1 of 4 stars). 7 submissions from 1 submitter: Uncertain significance (1); Benign (6). Last evaluated 2018-01-12.

Conditions:
Acromicric dysplasia (ACMICD). Also called: Acromicric skeletal dysplasia. Identifiers: Orphanet 969, MedGen C0265287, MONDO:0007055, OMIM 102370.
Stiff skin syndrome (SSKS). Identifiers: Orphanet 2833, MedGen C1861456, MONDO:0008492, OMIM 184900.
Weill-Marchesani syndrome. Also called: WM Syndrome; Mesodermal dysmorphodystrophy congenital. Identifiers: Orphanet 3449, MedGen C0265313, MONDO:0018096.
Ectopia lentis 1, isolated, autosomal dominant (ECTOL1). Identifiers: Orphanet 1885, MedGen C3541518, MONDO:0007514, OMIM 129600.
Geleophysic dysplasia. Identifiers: Orphanet 2623, MedGen C3489726, MONDO:0000127.
Familial thoracic aortic aneurysm and aortic dissection (TAAD). Also called: Thoracic aortic aneurysms and dissections. Identifiers: Orphanet 91387, MedGen C4707243, MONDO:0019625.
Marfan syndrome (MFS). Also called: Marfan syndrome type 1; Marfan's syndrome; MARFAN SYNDROME, TYPE I; Marfan syndrome, classic; FBN1-Related Marfan Syndrome. Identifiers: Orphanet 284963, Orphanet 558, MedGen C0024796, MONDO:0007947, OMIM 154700.

Allele frequency attached by ClinVar (database versions not stated): 1000 Genomes Project 0.00180; gnomAD 0.00191 and 0.00207; TOPMed 0.00212; 1000 Genomes Project 30x 0.00187.

Submissions (7):

Illumina Laboratory Services, Illumina
Classification: Benign for Acromicric dysplasia. Last evaluated: 2018-01-12. Review status: criteria provided, single submitter. Criteria: ICSL Variant Classification Criteria 13 December 2019. Collection method: clinical testing. Allele origin: germline.
Comment: This variant was observed in the ICSL laboratory as part of a predisposition screen in an ostensibly healthy population. It had not been previously curated by ICSL or reported in the Human Gene Mutation Database (HGMD: prior to June 1st, 2018), and was therefore a candidate for classification through an automated scoring system. Utilizing variant allele frequency, disease prevalence and penetrance estimates, and inheritance mode, an automated score was calculated to assess if this variant is too frequent to cause the disease. Based on the score and internal cut-off values, a variant classified as benign is not then subjected to further curation. The score for this variant resulted in a classification of benign for this disease.

Illumina Laboratory Services, Illumina
Classification: Benign for Stiff skin syndrome. Last evaluated: 2018-01-12. Review status: criteria provided, single submitter. Criteria: ICSL Variant Classification Criteria 13 December 2019. Collection method: clinical testing. Allele origin: germline.
Comment: the same text as in the submission from Illumina Laboratory Services, Illumina above.

Illumina Laboratory Services, Illumina
Classification: Benign for Ectopia lentis 1, isolated, autosomal dominant. Last evaluated: 2018-01-12. Review status: criteria provided, single submitter. Criteria: ICSL Variant Classification Criteria 13 December 2019. Collection method: clinical testing. Allele origin: germline.
Comment: the same text as in the submission from Illumina Laboratory Services, Illumina above.

Illumina Laboratory Services, Illumina
Classification: Benign for Geleophysic dysplasia. Last evaluated: 2018-01-12. Review status: criteria provided, single submitter. Criteria: ICSL Variant Classification Criteria 13 December 2019. Collection method: clinical testing. Allele origin: germline.
Comment: the same text as in the submission from Illumina Laboratory Services, Illumina above.

Illumina Laboratory Services, Illumina
Classification: Uncertain significance for Familial thoracic aortic aneurysm and aortic dissection. Last evaluated: 2018-01-12. Review status: criteria provided, single submitter. Criteria: ICSL Variant Classification Criteria 13 December 2019. Collection method: clinical testing. Allele origin: germline.

Illumina Laboratory Services, Illumina
Classification: Benign for Weill-Marchesani syndrome. Last evaluated: 2018-01-12. Review status: criteria provided, single submitter. Criteria: ICSL Variant Classification Criteria 13 December 2019. Collection method: clinical testing. Allele origin: germline.
Comment: the same text as in the submission from Illumina Laboratory Services, Illumina above.

Illumina Laboratory Services, Illumina
Classification: Benign for Marfan syndrome. Last evaluated: 2018-01-12. Review status: criteria provided, single submitter. Criteria: ICSL Variant Classification Criteria 13 December 2019. Collection method: clinical testing. Allele origin: germline.
Comment: the same text as in the submission from Illumina Laboratory Services, Illumina above.

NM_000138.5(FBN1):c.*1245C>T

Gene: FBN1 (fibrillin 1; minus strand). Cytogenetic location: 15q21.1.
Variant type: single nucleotide variant.
Coding change: c.*1245C>T on transcript NM_000138.5 (MANE Select); 1245 bases downstream of the stop codon, C replaced by T.
Molecular consequence: 3 prime UTR variant.
Genome position (GRCh38, 1-based): chr15:48,409,745, G>A on the plus strand (C>T on the coding strand, the complement: FBN1 is on the minus strand). VCF-style: chr15-48409745-G-A. GRCh37 (hg19) VCF-style: chr15-48701942-G-A.
Identifiers: ClinVar variation 316340 (VCV000316340.5), dbSNP rs181099623, ClinGen allele CA10647080.